The following is an entry in ClinVar:

NM_004393.6(DAG1):c.1514G>A (p.Arg505Lys)

Gene: DAG1 (dystroglycan 1; plus strand). Cytogenetic location: 3p21.31.
Variant type: single nucleotide variant.
Coding change: c.1514G>A on transcript NM_004393.6 (MANE Select); coding-DNA position 1514, G replaced by A.
Protein change: p.Arg505Lys; replaces arginine 505 with lysine.
Molecular consequence: missense variant.
Genome position (GRCh38, 1-based): chr3:49,532,025, G>A. VCF-style: chr3-49532025-G-A. GRCh37 (hg19) VCF-style: chr3-49569458-G-A.
Other names: c.1514G>A, p.Arg505Lys (NM_001165928.4, NM_001177634.3, NM_001177635.3 and 9 more transcripts); short protein forms R505K.
Identifiers: ClinVar variation 1440241 (VCV001440241.6), dbSNP rs1411304453, ClinGen allele CA352795541.

ClinVar aggregate classification (germline): Uncertain significance (1 of 4 stars; one submission).

Conditions:
Muscular dystrophy-dystroglycanopathy (congenital with brain and eye anomalies), type A9. Also called: WALKER-WARBURG SYNDROME OR MUSCLE-EYE BRAIN DISEASE, DAG1-RELATED; Muscular dystrophy-dystroglycanopathy (congenital with brain and eye anomalies), type a, 9. Identifiers: Orphanet 370997, Orphanet 899, MedGen C4225291, MONDO:0014683, OMIM 616538.
Autosomal recessive limb-girdle muscular dystrophy type 2P. Also called: MUSCULAR DYSTROPHY-DYSTROGLYCANOPATHY, LIMB-GIRDLE, DAG1-RELATED; Limb-Girdle Muscular Dystrophy Type 9C; MUSCULAR DYSTROPHY, LIMB-GIRDLE, TYPE 2P. Identifiers: Orphanet 280333, MedGen C4511963, MONDO:0013440, OMIM 613818.

Allele frequency attached by ClinVar (database versions not stated): gnomAD exomes below 0.00001; gnomAD 0.00001; TOPMed 0.00001.
gnomAD v4.1: 2 of 1,614,080 alleles (0.00012%); highest among the groups gnomAD compares: Admixed American, 0.0033%; no homozygotes.

Submission:

Labcorp Genetics (formerly Invitae), Labcorp
Classification: Uncertain significance for Autosomal recessive limb-girdle muscular dystrophy type 2P; Muscular dystrophy-dystroglycanopathy (congenital with brain and eye anomalies), type A9. Last evaluated: 2021-10-06. Review status: criteria provided, single submitter. Criteria: Invitae Variant Classification Sherloc (09022015). Collection method: clinical testing. Allele origin: germline.
Comment: In summary, the available evidence is currently insufficient to determine the role of this variant in disease. Therefore, it has been classified as a Variant of Uncertain Significance. Algorithms developed to predict the effect of missense changes on protein structure and function output the following: SIFT: "Tolerated"; PolyPhen-2: "Benign"; Align-GVGD: "Class C0". The lysine amino acid residue is found in multiple mammalian species, which suggests that this missense change does not adversely affect protein function. This variant has not been reported in the literature in individuals affected with DAG1-related conditions. This variant is not present in population databases (ExAC no frequency). This sequence change replaces arginine with lysine at codon 505 of the DAG1 protein (p.Arg505Lys). The arginine residue is moderately conserved and there is a small physicochemical difference between arginine and lysine.